The following is an entry in ClinVar:

ClinVar aggregate classification (germline): Pathogenic (1 of 4 stars; one submission).

Submission:

Labcorp Genetics (formerly Invitae), Labcorp
Classification: Pathogenic. Last evaluated: 2023-07-28. Review status: criteria provided, single submitter. Criteria: Invitae Variant Classification Sherloc (09022015). Collection method: clinical testing. Allele origin: germline.
Comment: This sequence change creates a premature translational stop signal (p.Asn603Lysfs*14) in the OCA2 gene. It is expected to result in an absent or disrupted protein product. Loss-of-function variants in OCA2 are known to be pathogenic (PMID: 19865097, 21541274). This variant is not present in population databases (gnomAD no frequency). This variant has not been reported in the literature in individuals affected with OCA2-related conditions. For these reasons, this variant has been classified as Pathogenic.

Literature cited by the submitters: PubMed 19865097; PubMed 21541274.

NM_000275.3(OCA2):c.1808dup (p.Asn603fs)

Gene: OCA2 (OCA2 melanosomal transmembrane protein; minus strand). Cytogenetic location: 15q13.1.
Variant type: Duplication.
Coding change: c.1808dup on transcript NM_000275.3 (MANE Select); coding-DNA position 1808, one base duplicated (A; older notation c.1808dupA).
Protein change: p.Asn603fs; shifts the reading frame from asparagine 603.
Molecular consequence: frameshift variant.
Genome position (GRCh38, 1-based): chr15:27,955,192, T duplicated on the plus strand (A on the coding strand, the reverse complement: OCA2 is on the minus strand); the first of 5 consecutive T bases (chr15:27,955,192-27,955,196); duplicating any one gives the same sequence. VCF-style (leftmost placement, unchanged base first): chr15-27955191-A-AT. GRCh37 (hg19) VCF-style: chr15-28200337-A-AT.
Other names: c.1736dup, p.Asn579fs (NM_001300984.2); short protein forms N579fs, N603fs.
Identifiers: ClinVar variation 2862273 (VCV002862273.3), dbSNP rs1476192724, ClinGen allele CA2627380310.